The following is an entry in ClinVar:

NM_001184.4(ATR):c.2586T>A (p.Asn862Lys)

Gene: ATR (ATR serine/threonine kinase; minus strand). Cytogenetic location: 3q23.
Variant type: single nucleotide variant.
Coding change: c.2586T>A on transcript NM_001184.4 (MANE Select); coding-DNA position 2586, T replaced by A.
Protein change: p.Asn862Lys; replaces asparagine 862 with lysine.
Molecular consequence: missense variant.
Genome position (GRCh38, 1-based): chr3:142,553,687, A>T on the plus strand (T>A on the coding strand, the complement: ATR is on the minus strand). VCF-style: chr3-142553687-A-T. GRCh37 (hg19) VCF-style: chr3-142272529-A-T.
Other names: c.2394T>A, p.Asn798Lys (NM_001354579.2); short protein forms N798K, N862K.
Identifiers: ClinVar variation 3461346 (VCV003461346.1).

ClinVar aggregate classification (germline): Uncertain significance (1 of 4 stars; one submission).

Conditions:
Inborn genetic diseases. Identifiers: MedGen C0950123, MeSH D030342.

Submission:

Ambry Genetics
Classification: Uncertain significance for Inborn genetic diseases. Last evaluated: 2024-09-27. Review status: criteria provided, single submitter. Criteria: Ambry Variant Classification Scheme 2023. Collection method: clinical testing. Allele origin: germline.
Comment: The p.N862K variant (also known as c.2586T>A), located in coding exon 12 of the ATR gene, results from a T to A substitution at nucleotide position 2586. The asparagine at codon 862 is replaced by lysine, an amino acid with similar properties. This amino acid position is conserved. In addition, this alteration is predicted to be tolerated by in silico analysis. Based on the available evidence, the clinical significance of this variant remains unclear.